The following is an entry in ClinVar:

ClinVar aggregate classification (germline): Uncertain significance (1 of 4 stars; one submission).

Submission:

Labcorp Genetics (formerly Invitae), Labcorp
Classification: Uncertain significance. Last evaluated: 2025-05-18. Review status: criteria provided, single submitter. Criteria: Invitae Variant Classification Sherloc (09022015). Collection method: clinical testing. Allele origin: germline.
Comment: This sequence change falls in intron 28 of the USP9X gene. It does not directly change the encoded amino acid sequence of the USP9X protein. It affects a nucleotide within the consensus splice site. This variant is not present in population databases (gnomAD no frequency). This variant has not been reported in the literature in individuals affected with USP9X-related conditions. Variants that disrupt the consensus splice site are a relatively common cause of aberrant splicing (PMID: 17576681, 9536098). Algorithms developed to predict the effect of sequence changes on RNA splicing suggest that this variant may disrupt the consensus splice site. In summary, the available evidence is currently insufficient to determine the role of this variant in disease. Therefore, it has been classified as a Variant of Uncertain Significance.

Literature cited by the submitters: PubMed 17576681; PubMed 9536098.

NM_001039591.3(USP9X):c.4233+3_4233+6del

Gene: USP9X (ubiquitin specific peptidase 9 X-linked; plus strand). Cytogenetic location: Xp11.4.
Variant type: Deletion.
Coding change: c.4233+3_4233+6del on transcript NM_001039591.3 (MANE Select); bases 3 to 6 of the intron after coding-DNA position 4233, 4 bases deleted (AAGT; older notation c.4233+3_4233+6delAAGT).
Molecular consequence: splice donor variant.
Genome position (GRCh38, 1-based): chrX:41,196,741-41,196,744, AAGT deleted; deleting any 4 consecutive bases within chrX:41,196,739-41,196,744 gives the same sequence; the c. name uses the placement nearest the transcript's 3' end. VCF-style (leftmost placement, unchanged base first): chrX-41196738-GGTAA-G. GRCh37 (hg19) VCF-style: chrX-41055991-GGTAA-G.
Other names: c.4248+3_4248+6del (NM_001410748.1, NM_001410749.1, NM_001437534.1); c.4233+3_4233+6del (NM_001039590.3).
Identifiers: ClinVar variation 4719808 (VCV004719808.1).